The following is an entry in ClinVar:

ClinVar aggregate classification (germline): Uncertain significance (1 of 4 stars; one submission).

Allele frequency attached by ClinVar (database versions not stated): ExAC 0.00002; TOPMed 0.00002; gnomAD exomes 0.00003 and 0.00004; gnomAD 0.00004.

Submission:

Labcorp Genetics (formerly Invitae), Labcorp
Classification: Uncertain significance. Last evaluated: 2025-10-05. Review status: criteria provided, single submitter. Criteria: Invitae Variant Classification Sherloc (09022015). Collection method: clinical testing. Allele origin: germline.
Comment: This sequence change replaces arginine, which is basic and polar, with glutamine, which is neutral and polar, at codon 276 of the SERPING1 protein (p.Arg276Gln). This variant is present in population databases (rs548701651, gnomAD 0.009%). This variant has not been reported in the literature in individuals affected with SERPING1-related conditions. ClinVar contains an entry for this variant (Variation ID: 1378766). An algorithm developed to predict the effect of missense changes on protein structure and function outputs the following: PolyPhen-2: "Benign". The glutamine amino acid residue is found in multiple mammalian species, which suggests that this missense change does not adversely affect protein function. In summary, the available evidence is currently insufficient to determine the role of this variant in disease. Therefore, it has been classified as a Variant of Uncertain Significance.

NM_000062.3(SERPING1):c.827G>A (p.Arg276Gln)

Gene: SERPING1 (serpin family G member 1; plus strand). Cytogenetic location: 11q12.1.
Variant type: single nucleotide variant.
Coding change: c.827G>A on transcript NM_000062.3 (MANE Select); coding-DNA position 827, G replaced by A.
Protein change: p.Arg276Gln; replaces arginine 276 with glutamine.
Molecular consequence: missense variant.
Genome position (GRCh38, 1-based): chr11:57,606,151, G>A. VCF-style: chr11-57606151-G-A. GRCh37 (hg19) VCF-style: chr11-57373624-G-A.
Other names: c.827G>A, p.Arg276Gln (NM_001032295.2); short protein forms R276Q.
Identifiers: ClinVar variation 1378766 (VCV001378766.8), dbSNP rs548701651, ClinGen allele CA6008126.